The following is an entry in ClinVar:

ClinVar aggregate classification (germline): Uncertain significance. Review status: criteria provided, multiple submitters, no conflicts (2 of 4 stars). 2 submissions from 2 submitters: Uncertain significance (2). Last evaluated 2024-09-16.

Conditions:
Inborn genetic diseases. Identifiers: MedGen C0950123, MeSH D030342.
Chédiak-Higashi syndrome (CHS). Also called: Chediak-Higashi Syndrome. Identifiers: Orphanet 167, MedGen C0007965, MONDO:0008963, OMIM 214500.

Allele frequency attached by ClinVar (database versions not stated): TOPMed 0.00001; gnomAD 0.00002; ExAC 0.00005; 1000 Genomes Project 30x 0.00016; 1000 Genomes Project 0.00020.
gnomAD v4.1: 14 of 1,613,996 alleles (0.00087%); highest among the groups gnomAD compares: Admixed American, 0.0017%; no homozygotes.

Submissions (2):

Labcorp Genetics (formerly Invitae), Labcorp
Classification: Uncertain significance for Chédiak-Higashi syndrome. Last evaluated: 2024-09-16. Review status: criteria provided, single submitter. Criteria: Invitae Variant Classification Sherloc (09022015). Collection method: clinical testing. Allele origin: germline.
Comment: This sequence change replaces arginine, which is basic and polar, with tryptophan, which is neutral and slightly polar, at codon 546 of the LYST protein (p.Arg546Trp). This variant is present in population databases (rs542102013, gnomAD 0.004%). This variant has not been reported in the literature in individuals affected with LYST-related conditions. ClinVar contains an entry for this variant (Variation ID: 582831). Invitae Evidence Modeling of protein sequence and biophysical properties (such as structural, functional, and spatial information, amino acid conservation, physicochemical variation, residue mobility, and thermodynamic stability) has been performed for this missense variant. However, the output from this modeling did not meet the statistical confidence thresholds required to predict the impact of this variant on LYST protein function. In summary, the available evidence is currently insufficient to determine the role of this variant in disease. Therefore, it has been classified as a Variant of Uncertain Significance.

Ambry Genetics
Classification: Uncertain significance for Inborn genetic diseases. Last evaluated: 2022-08-18. Review status: criteria provided, single submitter. Criteria: Ambry Variant Classification Scheme 2023. Collection method: clinical testing. Allele origin: germline.

NM_000081.4(LYST):c.1636C>T (p.Arg546Trp)

Gene: LYST (lysosomal trafficking regulator; minus strand). Cytogenetic location: 1q42.3.
Variant type: single nucleotide variant.
Coding change: c.1636C>T on transcript NM_000081.4 (MANE Select); coding-DNA position 1636, C replaced by T.
Protein change: p.Arg546Trp; replaces arginine 546 with tryptophan.
Molecular consequence: missense variant.
Genome position (GRCh38, 1-based): chr1:235,809,182, G>A on the plus strand (C>T on the coding strand, the complement: LYST is on the minus strand). VCF-style: chr1-235809182-G-A. GRCh37 (hg19) VCF-style: chr1-235972482-G-A.
Other names: c.1636C>T, p.Arg546Trp (NM_001301365.1); c.1636C>T (NM_000081.2); short protein forms R546W.
Identifiers: ClinVar variation 582831 (VCV000582831.7), dbSNP rs542102013, ClinGen allele CA1467438.